The following is an entry in ClinVar:

ClinVar aggregate classification (germline): Uncertain significance (1 of 4 stars; one submission).

Conditions:
Arrhythmogenic right ventricular cardiomyopathy (ARVD). Also called: Arrhythmogenic right ventricular dysplasia; Cardiomyopathy, ARVC; Arrhythmogenic cardiomyopathy; Arrhythmogenic Right Ventricular Cardiomyopathy (ARVC). Identifiers: Orphanet 247, MedGen C0349788, MeSH D019571, MONDO:0016587. Disease mechanism: loss of function. Inheritance: Various modes of inheritance.

Allele frequency attached by ClinVar (database versions not stated): gnomAD exomes below 0.00001; ExAC 0.00001.
gnomAD v4.1: 1 of 1,611,560 alleles (0.000062%); highest among the groups gnomAD compares: South Asian, 0.0011%; no homozygotes.

Submission:

All of Us Research Program, National Institutes of Health
Classification: Uncertain significance for Arrhythmogenic right ventricular cardiomyopathy. Last evaluated: 2023-06-26. Review status: criteria provided, single submitter. Criteria: ACMG Guidelines, 2015. Collection method: clinical testing. Allele origin: germline. Inheritance: Autosomal dominant inheritance. Observed: 1 variant allele, 1 heterozygote.
Comment: This variant is located in the DSG2 protein. To our knowledge, functional studies have not been reported for this variant. This variant has not been reported in individuals affected with DSG2-related disorders in the literature. This variant has been identified in 1/248262 chromosomes in the general population by the Genome Aggregation Database (gnomAD). The available evidence is insufficient to determine the role of this variant in disease conclusively. Therefore, this variant is classified as a Variant of Uncertain Significance.

This study involves interpretation of variants in research participants for the purpose of population health screening. Participant phenotype was not available at the time of variant classification. Additional details can be found in publication PMID: 35346344, PMCID: PMC8962531

NM_001943.5(DSG2):c.1389C>T (p.Gly463=)

Gene: DSG2 (desmoglein 2; plus strand). Cytogenetic location: 18q12.1.
Variant type: single nucleotide variant.
Coding change: c.1389C>T on transcript NM_001943.5 (MANE Select); coding-DNA position 1389, C replaced by T.
Protein change: p.Gly463=; no amino-acid change (glycine 463 retained).
Molecular consequence: synonymous variant.
Genome position (GRCh38, 1-based): chr18:31,535,378, C>T. VCF-style: chr18-31535378-C-T. GRCh37 (hg19) VCF-style: chr18-29115341-C-T.
Identifiers: ClinVar variation 3072233 (VCV003072233.1), dbSNP rs779600255, ClinGen allele CA042265.